The following is an entry in ClinVar:

ClinVar aggregate classification (germline): Conflicting classifications of pathogenicity. Review status: criteria provided, conflicting classifications (1 of 4 stars). 5 submissions from 5 submitters: Uncertain significance (4); Likely benign (1). Last evaluated 2026-01-24.

Conditions:
Wilson disease (WND). Also called: Wilson's disease. Identifiers: Orphanet 905, MedGen C0019202, MONDO:0010200, OMIM 277900. Disease mechanism: loss of function.

Allele frequency attached by ClinVar (database versions not stated): gnomAD 0.00001 and 0.00003; gnomAD exomes 0.00003 and 0.00011; ExAC 0.00008; TOPMed 0.00010; 1000 Genomes Project 30x 0.00016; 1000 Genomes Project 0.00020.
gnomAD v4.1: 50 of 1,613,912 alleles (0.0031%); highest among the groups gnomAD compares: East Asian, 0.033%; 1 homozygote.

Submissions (5):

Labcorp Genetics (formerly Invitae), Labcorp
Classification: Likely benign for Wilson disease. Last evaluated: 2026-01-24. Review status: criteria provided, single submitter. Criteria: Invitae Variant Classification Sherloc (09022015). Collection method: clinical testing. Allele origin: germline.

Color Diagnostics, LLC DBA Color Health
Classification: Uncertain significance for Wilson disease. Last evaluated: 2025-09-10. Review status: criteria provided, single submitter. Criteria: ACMG Guidelines, 2015. Collection method: clinical testing. Allele origin: germline.
Comment: This missense variant replaces glutamic acid with lysine at codon 677 of the ATP7B protein. Computational prediction suggests that this variant may not impact protein structure and function. To our knowledge, functional studies have not been reported for this variant. This variant has not been reported in individuals affected with ATP7B-related disorders in the literature. This variant has been identified in 27/249188 chromosomes in the general population by the Genome Aggregation Database (gnomAD). The available evidence is insufficient to determine the role of this variant in disease conclusively. Therefore, this variant is classified as a Variant of Uncertain Significance.

All of Us Research Program, National Institutes of Health
Classification: Uncertain significance for Wilson disease. Last evaluated: 2024-08-06. Review status: criteria provided, single submitter. Criteria: ACMG Guidelines, 2015. Collection method: clinical testing. Allele origin: germline. Inheritance: Autosomal recessive inheritance. Observed: 8 variant alleles, 8 heterozygotes.
Comment: This missense variant replaces glutamic acid with lysine at codon 677 of the ATP7B protein. Computational prediction suggests that this variant may not impact protein structure and function (internally defined REVEL score threshold <= 0.5, PMID: 27666373). To our knowledge, functional studies have not been reported for this variant. This variant has not been reported in individuals affected with ATP7B-related disorders in the literature. This variant has been identified in 27/249188 chromosomes in the general population by the Genome Aggregation Database (gnomAD). The available evidence is insufficient to determine the role of this variant in disease conclusively. Therefore, this variant is classified as a Variant of Uncertain Significance.

This study involves interpretation of variants in research participants for the purpose of population health screening. Participant phenotype was not available at the time of variant classification. Additional details can be found in publication PMID: 35346344, PMCID: PMC8962531

Genome-Nilou Lab
Classification: Uncertain significance for Wilson disease. Last evaluated: 2021-08-10. Review status: criteria provided, single submitter. Criteria: ACMG Guidelines, 2015. Collection method: clinical testing. Allele origin: germline. Affected: no.

ARUP Laboratories, Molecular Genetics and Genomics, ARUP Laboratories
Classification: Uncertain significance for Wilson disease. Last evaluated: 2020-03-26. Review status: criteria provided, single submitter. Criteria: ARUP Molecular Germline Variant Investigation Process. Collection method: clinical testing. Allele origin: germline.
Comment: The ATP7B c.2029G>A; p.Glu677Lys variant (rs2277447), to our knowledge, is not reported in the medical literature or gene specific databases. This variant is found in the East Asian population with an allele frequency of 0.1% (23/17,978 alleles including 1 homozygote) in the Genome Aggregation Database. The glutamic acid at codon 677 is weakly conserved, and computational analyses (SIFT, PolyPhen-2) predict that this variant is tolerated. Due to limited information, the clinical significance of the p.Glu677Lys variant is uncertain at this time.

NM_000053.4(ATP7B):c.2029G>A (p.Glu677Lys)

Gene: ATP7B (ATPase copper transporting beta; minus strand). Cytogenetic location: 13q14.3.
Variant type: single nucleotide variant.
Coding change: c.2029G>A on transcript NM_000053.4 (MANE Select); coding-DNA position 2029, G replaced by A.
Protein change: p.Glu677Lys; replaces glutamic acid 677 with lysine.
Molecular consequence: missense variant. On other transcripts: intron variant (2).
Genome position (GRCh38, 1-based): chr13:51,960,240, C>T on the plus strand (G>A on the coding strand, the complement: ATP7B is on the minus strand). VCF-style: chr13-51960240-C-T. GRCh37 (hg19) VCF-style: chr13-52534376-C-T.
Other names: c.1696G>A, p.Glu566Lys (NM_001243182.2); c.2029G>A, p.Glu677Lys (NM_001330578.2); c.1870-2633G>A (NM_001005918.3); c.1870-1696G>A (NM_001330579.2); short protein forms E677K, E566K.
Identifiers: ClinVar variation 995699 (VCV000995699.22), dbSNP rs2277447, ClinGen allele CA6989133.